The following is an entry in ClinVar:

ClinVar aggregate classification (germline): Uncertain significance. Review status: criteria provided, multiple submitters, no conflicts (2 of 4 stars). 4 submissions from 4 submitters: Uncertain significance (3). 1 of the submissions does not count toward it. Last evaluated 2026-07-02.

Conditions:
MYH11-related disorder. Also called: MYH11-related condition.
Aortic aneurysm, familial thoracic 4 (AAT4). Also called: AORTIC ANEURYSM/AORTIC DISSECTION AND PATENT DUCTUS ARTERIOSUS. Identifiers: MedGen C1851504, MONDO:0007568, OMIM 132900.
Familial thoracic aortic aneurysm and aortic dissection (TAAD). Also called: Thoracic aortic aneurysms and dissections. Identifiers: Orphanet 91387, MedGen C4707243, MONDO:0019625.

Allele frequency attached by ClinVar (database versions not stated): gnomAD 0.00001; gnomAD exomes 0.00002 and 0.00004; ExAC 0.00006.
gnomAD v4.1: 32 of 1,613,812 alleles (0.002%); highest among the groups gnomAD compares: South Asian, 0.029%; 1 homozygote.

Submissions (4):

Ambry Genetics
Classification: Uncertain significance for Familial thoracic aortic aneurysm and aortic dissection. Last evaluated: 2026-07-02. Review status: criteria provided, single submitter. Criteria: Ambry Variant Classification Scheme 2023. Collection method: clinical testing. Allele origin: germline.
Comment: The p.R1058Q variant (also known as c.3173G>A), located in coding exon 24 of the MYH11 gene, results from a G to A substitution at nucleotide position 3173. The arginine at codon 1058 is replaced by glutamine, an amino acid with highly similar properties. This amino acid position is conserved. In addition, this alteration is predicted to be deleterious by in silico analysis. Based on the available evidence, the clinical significance of this variant remains unclear.

All of Us Research Program, National Institutes of Health
Classification: Uncertain significance for Familial thoracic aortic aneurysm and aortic dissection. Last evaluated: 2023-07-22. Review status: criteria provided, single submitter. Criteria: ACMG Guidelines, 2015. Collection method: clinical testing. Allele origin: germline. Inheritance: Autosomal dominant inheritance. Observed: 2 variant alleles, 2 heterozygotes.
Comment: This missense variant replaces arginine with glutamine at codon 1065 of the MYH11 protein. Computational prediction suggests that this variant may have deleterious impact on protein structure and function (internally defined REVEL score threshold >= 0.7, PMID: 27666373). To our knowledge, functional studies have not been reported for this variant. This variant has not been reported in individuals affected with MYH11-related disorders in the literature. This variant has been identified in 9/251268 chromosomes in the general population by the Genome Aggregation Database (gnomAD). The available evidence is insufficient to determine the role of this variant in disease conclusively. Therefore, this variant is classified as a Variant of Uncertain Significance.

This study involves interpretation of variants in research participants for the purpose of population health screening. Participant phenotype was not available at the time of variant classification. Additional details can be found in publication PMID: 35346344, PMCID: PMC8962531

Labcorp Genetics (formerly Invitae), Labcorp
Classification: Uncertain significance for Aortic aneurysm, familial thoracic 4. Last evaluated: 2021-07-28. Review status: criteria provided, single submitter. Criteria: Invitae Variant Classification Sherloc (09022015). Collection method: clinical testing. Allele origin: germline.
Comment: In summary, the available evidence is currently insufficient to determine the role of this variant in disease. Therefore, it has been classified as a Variant of Uncertain Significance. Algorithms developed to predict the effect of missense changes on protein structure and function (SIFT, PolyPhen-2, Align-GVGD) all suggest that this variant is likely to be disruptive. This variant has not been reported in the literature in individuals affected with MYH11-related conditions. This variant is present in population databases (rs748577941, ExAC 0.04%). This sequence change replaces arginine with glutamine at codon 1065 of the MYH11 protein (p.Arg1065Gln). The arginine residue is highly conserved and there is a small physicochemical difference between arginine and glutamine.

PreventionGenetics, part of Exact Sciences
Classification: Uncertain significance for MYH11-related condition. Last evaluated: 2024-08-08. Review status: no assertion criteria provided. Collection method: clinical testing. Allele origin: germline. Not counted in ClinVar's aggregate classification.
Comment: The MYH11 c.3194G>A variant is predicted to result in the amino acid substitution p.Arg1065Gln. To our knowledge, this variant has not been reported in the literature. This variant is reported in 0.023% of alleles in individuals of South Asian descent in gnomAD. At this time, the clinical significance of this variant is uncertain due to the absence of conclusive functional and genetic evidence.

NM_002474.3(MYH11):c.3173G>A (p.Arg1058Gln)

Gene: MYH11 (myosin heavy chain 11; minus strand). Cytogenetic location: 16p13.11.
Variant type: single nucleotide variant.
Coding change: c.3173G>A on transcript NM_002474.3 (MANE Select); coding-DNA position 3173, G replaced by A.
Protein change: p.Arg1058Gln; replaces arginine 1058 with glutamine.
Molecular consequence: missense variant.
Genome position (GRCh38, 1-based): chr16:15,737,569, C>T on the plus strand (G>A on the coding strand, the complement: MYH11 is on the minus strand). VCF-style: chr16-15737569-C-T. GRCh37 (hg19) VCF-style: chr16-15831426-C-T.
Other names: c.3173G>A (NM_002474.2); c.3194G>A, p.Arg1065Gln (NM_001040113.2, NM_001040114.2); c.3173G>A, p.Arg1058Gln (NM_022844.3); c.3194G>A (NM_001040113.1); short protein forms R1065Q, R1058Q.
Identifiers: ClinVar variation 1385760 (VCV001385760.7), dbSNP rs748577941, ClinGen allele CA7922071.